The following is an entry in ClinVar:

ClinVar aggregate classification (germline): Uncertain significance (1 of 4 stars; one submission).

gnomAD v4.1: 7 of 1,510,496 alleles (0.00046%); highest among the groups gnomAD compares: South Asian, 0.0012%; no homozygotes.

Submission:

Ambry Genetics
Classification: Uncertain significance. Last evaluated: 2022-05-12. Review status: criteria provided, single submitter. Criteria: Ambry Variant Classification Scheme 2023. Collection method: clinical testing. Allele origin: germline.
Comment: The p.G7D variant (also known as c.20G>A), located in coding exon 1 of the PRKDC gene, results from a G to A substitution at nucleotide position 20. The glycine at codon 7 is replaced by aspartic acid, an amino acid with similar properties. This amino acid position is conserved. In addition, this alteration is predicted to be tolerated by in silico analysis. Since supporting evidence is limited at this time, the clinical significance of this alteration remains unclear.

NM_006904.7(PRKDC):c.20G>A (p.Gly7Asp)

Genes: PRKDC (protein kinase, DNA-activated, catalytic subunit; minus strand), LOC129929030 (ATAC-STARR-seq lymphoblastoid silent region 19177; plus strand). Cytogenetic location: 8q11.21.
Variant type: single nucleotide variant.
Coding change: c.20G>A on transcript NM_006904.7 (MANE Select); coding-DNA position 20, G replaced by A.
Protein change: p.Gly7Asp; replaces glycine 7 with aspartic acid.
Molecular consequence: missense variant.
Genome position (GRCh38, 1-based): chr8:47,960,107, C>T on the plus strand (G>A on the coding strand, the complement: PRKDC is on the minus strand). VCF-style: chr8-47960107-C-T. GRCh37 (hg19) VCF-style: chr8-48872667-C-T.
Other names: c.20G>A, p.Gly7Asp (NM_001081640.2); short protein forms G7D.
Identifiers: ClinVar variation 1785884 (VCV001785884.2), dbSNP rs764675406, ClinGen allele CA371143106.
Genomic context (GRCh38, chr8:47,960,107, plus strand): 5'-GCACCGCAGCGGTCCGCAGCGGACAAGGTCTCCTGCAGCCGCAGCAGGGAGCAACGCACA[C>T]CGGCTCCGGAGCCCGCCATGCCGCCGAGTCCCGCTCCCGCGCGTGCGCCCGCTCGGCCCG-3'
Protein context (NP_008835.5, residues 1-17): MAGSGA[Gly7Asp]VRCSLLRLQE